The following is an entry in ClinVar:

ClinVar aggregate classification (germline): Uncertain significance. Review status: criteria provided, multiple submitters, no conflicts (2 of 4 stars). 2 submissions from 2 submitters: Uncertain significance (2). Last evaluated 2025-05-18.

gnomAD v4.1: 1 of 1,212,273 alleles (0.000082%); highest among the groups gnomAD compares: South Asian, 0.0018%; no homozygotes.

Submissions (2):

Dasa
Classification: Uncertain significance. Last evaluated: 2025-05-18. Review status: criteria provided, single submitter. Criteria: DASA Assertion Criteria. Collection method: clinical testing. Allele origin: germline.
Comment: NM_001184880.2(PCDH19):c.874G>A (p.Asp292Asn) is a missense variant that results in the substitution of aspartic acid with asparagine. This variant is rare in population databases. Computational prediction algorithms are consistent with a benign effect. The currently available literature and clinical evidence are not sufficient to establish a definitive association between this variant and the reported condition. Therefore, this variant is classified as a variant of uncertain significance.

GeneDx
Classification: Uncertain significance. Last evaluated: 2023-06-21. Review status: criteria provided, single submitter. Criteria: GeneDx Variant Classification Process June 2021. Collection method: clinical testing. Allele origin: germline. Affected: yes.
Comment: Has not been previously published as pathogenic or benign to our knowledge; Not observed at significant frequency in large population cohorts (gnomAD); In silico analysis supports that this missense variant does not alter protein structure/function; Missense variants in this gene are often considered pathogenic (HGMD)

NM_001184880.2(PCDH19):c.874G>A (p.Asp292Asn)

Gene: PCDH19 (protocadherin 19; minus strand). Cytogenetic location: Xq22.1.
Variant type: single nucleotide variant.
Coding change: c.874G>A on transcript NM_001184880.2 (MANE Select); coding-DNA position 874, G replaced by A.
Protein change: p.Asp292Asn; replaces aspartic acid 292 with asparagine.
Molecular consequence: missense variant.
Genome position (GRCh38, 1-based): chrX:100,407,724, C>T on the plus strand (G>A on the coding strand, the complement: PCDH19 is on the minus strand). VCF-style: chrX-100407724-C-T. GRCh37 (hg19) VCF-style: chrX-99662722-C-T.
Other names: c.874G>A, p.Asp292Asn (NM_020766.3, NM_001105243.2); short protein forms D292N.
Identifiers: ClinVar variation 3340346 (VCV003340346.3).
Genomic context (GRCh38, chrX:100,407,724, plus strand): 5'-ACACGTGCCCCTCTTCGTAGTCTAAAGCGCCAGTGACAGTGACCAGGCCACTGTGCGGGT[C>T]GATCTGAAAGAGCTCGCGCGTGCGGTCGTTGACGTAGCCATAGAAGGAGTAGACCACCTG-3'
Protein context (NP_001171809.1, residues 282-302): NDRTRELFQI[Asp292Asn]PHSGLVTVTG